The following is an entry in ClinVar:

NM_000426.4(LAMA2):c.4717+12_4717+20dup

Gene: LAMA2 (laminin subunit alpha 2; plus strand). Cytogenetic location: 6q22.33.
Variant type: Duplication.
Coding change: c.4717+12_4717+20dup on transcript NM_000426.4 (MANE Select); bases 12 to 20 of the intron after coding-DNA position 4717, 9 bases duplicated (AACTTTGCT; older notation c.4717+12_4717+20dupAACTTTGCT).
Molecular consequence: intron variant.
Genome position (GRCh38, 1-based): chr6:129,353,369-129,353,377, AACTTTGCT duplicated; duplicating any 9 consecutive bases within chr6:129,353,367-129,353,377 gives the same sequence; the c. name uses the placement nearest the transcript's 3' end. VCF-style (leftmost placement, unchanged base first): chr6-129353366-A-ACTAACTTTG. GRCh37 (hg19) VCF-style: chr6-129674511-A-ACTAACTTTG.
Other names: c.4717+12_4717+20dupAACTTTGCT (NM_000426.3); c.4717+12_4717+20dup (NM_001079823.2).
Identifiers: ClinVar variation 420698 (VCV000420698.9), dbSNP rs761353189, ClinGen allele CA3993643.
Genomic context (GRCh38, chr6:129,353,366, plus strand): 5'-AAGTGTGACGGCTGCAAGCACTGGCATGCACGCGAGGGCTGGGAGTGTGTTTGTACGTAT[A>ACTAACTTTG]CTAACTTTGCTGTTAGTTTTGGAGGCCTTGATTCCAGTTCTGTCTCATTTCCAATGAGAA-3'

ClinVar aggregate classification (germline): Likely benign. Review status: criteria provided, multiple submitters, no conflicts (2 of 4 stars). 2 submissions from 2 submitters: Likely benign (2). Last evaluated 2025-02-11.

Conditions:
LAMA2-related muscular dystrophy (LAMA2-RD). Also called: Laminin alpha 2-related dystrophy. Identifiers: MedGen C5679788, MONDO:0100228.

Submissions (2):

Labcorp Genetics (formerly Invitae), Labcorp
Classification: Likely benign for LAMA2-related muscular dystrophy. Last evaluated: 2025-02-11. Review status: criteria provided, single submitter. Criteria: Invitae Variant Classification Sherloc (09022015). Collection method: clinical testing. Allele origin: germline.

GeneDx
Classification: Likely benign. Last evaluated: 2016-04-07. Review status: criteria provided, single submitter. Criteria: GeneDx Variant Classification (06012015). Collection method: clinical testing. Allele origin: germline. Affected: yes.
Comment: This variant is considered likely benign or benign based on one or more of the following criteria: it is a conservative change, it occurs at a poorly conserved position in the protein, it is predicted to be benign by multiple in silico algorithms, and/or has population frequency not consistent with disease.